The following is an entry in ClinVar:

ClinVar aggregate classification (germline): Likely benign. Review status: criteria provided, single submitter (1 of 4 stars). 2 submissions from 2 submitters: Likely benign (1). 1 of the submissions does not count toward it. Last evaluated 2024-01-01.

Conditions:
SETD1A-related disorder. Also called: SETD1A-related condition.

Allele frequency attached by ClinVar (database versions not stated): gnomAD 0.00034; TOPMed 0.00063; ExAC 0.00069; 1000 Genomes Project 0.00160; 1000 Genomes Project 30x 0.00172.

Submissions (2):

CeGaT Center for Human Genetics Tuebingen
Classification: Likely benign. Last evaluated: 2024-01-01. Review status: criteria provided, single submitter. Criteria: CeGaT Center For Human Genetics Tuebingen Variant Classification Criteria Version 2. Collection method: clinical testing. Allele origin: germline. Affected: yes. Observed: 1 variant allele.
Comment: SETD1A: BP4, BP7

PreventionGenetics, part of Exact Sciences
Classification: Benign for SETD1A-related condition. Last evaluated: 2019-08-09. Review status: no assertion criteria provided. Collection method: clinical testing. Allele origin: germline. Not counted in ClinVar's aggregate classification.
Comment: This variant is classified as benign based on ACMG/AMP sequence variant interpretation guidelines (Richards et al. 2015 PMID: 25741868, with internal and published modifications).

NM_014712.3(SETD1A):c.4551G>A (p.Ser1517=)

Gene: SETD1A (SET domain containing 1A, histone lysine methyltransferase; plus strand). Cytogenetic location: 16p11.2.
Variant type: single nucleotide variant.
Coding change: c.4551G>A on transcript NM_014712.3 (MANE Select); coding-DNA position 4551, G replaced by A.
Protein change: p.Ser1517=; no amino-acid change (serine 1517 retained).
Molecular consequence: synonymous variant.
Genome position (GRCh38, 1-based): chr16:30,980,627, G>A. VCF-style: chr16-30980627-G-A. GRCh37 (hg19) VCF-style: chr16-30991948-G-A.
Other names: c.4551G>A (NM_014712.2).
Identifiers: ClinVar variation 3025874 (VCV003025874.23), dbSNP rs2305882, ClinGen allele CA8017587.